The following is an entry in ClinVar:

ClinVar aggregate classification (germline): Uncertain significance (1 of 4 stars; one submission).

Allele frequency attached by ClinVar (database versions not stated): gnomAD exomes below 0.00001; ExAC 0.00001; TOPMed 0.00002.
gnomAD v4.1: 2 of 1,599,478 alleles (0.00013%); highest among the groups gnomAD compares: Admixed American, 0.0034%; no homozygotes.

Submission:

Labcorp Genetics (formerly Invitae), Labcorp
Classification: Uncertain significance. Last evaluated: 2025-01-13. Review status: criteria provided, single submitter. Criteria: Invitae Variant Classification Sherloc (09022015). Collection method: clinical testing. Allele origin: germline.
Comment: This sequence change falls in intron 7 of the RFWD3 gene. It does not directly change the encoded amino acid sequence of the RFWD3 protein. It affects a nucleotide within the consensus splice site. This variant is present in population databases (rs781492975, gnomAD 0.006%). This variant has not been reported in the literature in individuals affected with RFWD3-related conditions. ClinVar contains an entry for this variant (Variation ID: 2728838). Variants that disrupt the consensus splice site are a relatively common cause of aberrant splicing (PMID: 17576681, 9536098). Algorithms developed to predict the effect of sequence changes on RNA splicing suggest that this variant is not likely to affect RNA splicing. In summary, the available evidence is currently insufficient to determine the role of this variant in disease. Therefore, it has been classified as a Variant of Uncertain Significance.

Literature cited by the submitters: PubMed 17576681; PubMed 9536098.

NM_018124.4(RFWD3):c.1195-3T>C

Gene: RFWD3 (ring finger and WD repeat domain 3; minus strand). Cytogenetic location: 16q23.1.
Variant type: single nucleotide variant.
Coding change: c.1195-3T>C on transcript NM_018124.4 (MANE Select); 3 bases into the intron before coding-DNA position 1195, T replaced by C.
Molecular consequence: intron variant.
Genome position (GRCh38, 1-based): chr16:74,636,580, A>G on the plus strand (T>C on the coding strand, the complement: RFWD3 is on the minus strand). VCF-style: chr16-74636580-A-G. GRCh37 (hg19) VCF-style: chr16-74670478-A-G.
Other names: c.1195-3T>C (NM_001370534.1, NM_001370536.1, NM_001370535.1); c.361-3T>C (NM_001370539.1, NM_001370537.1, NM_001370543.1 and 2 more transcripts).
Identifiers: ClinVar variation 2728838 (VCV002728838.3), dbSNP rs781492975, ClinGen allele CA8169276.